The following is an entry in ClinVar:

NM_003737.4(DCHS1):c.5119C>T (p.Arg1707Trp)

Gene: DCHS1 (dachsous cadherin-related 1; minus strand). Cytogenetic location: 11p15.4.
Variant type: single nucleotide variant.
Coding change: c.5119C>T on transcript NM_003737.4 (MANE Select); coding-DNA position 5119, C replaced by T.
Protein change: p.Arg1707Trp; replaces arginine 1707 with tryptophan.
Molecular consequence: missense variant.
Genome position (GRCh38, 1-based): chr11:6,629,494, G>A on the plus strand (C>T on the coding strand, the complement: DCHS1 is on the minus strand). VCF-style: chr11-6629494-G-A. GRCh37 (hg19) VCF-style: chr11-6650725-G-A.
Other names: short protein forms R1707W.
Identifiers: ClinVar variation 4766561 (VCV004766561.1).

ClinVar aggregate classification (germline): Uncertain significance (1 of 4 stars; one submission).

gnomAD v4.1: 5 of 1,612,934 alleles (0.00031%); highest among the groups gnomAD compares: East Asian, 0.0022%; no homozygotes.

Submission:

Labcorp Genetics (formerly Invitae), Labcorp
Classification: Uncertain significance. Last evaluated: 2025-11-25. Review status: criteria provided, single submitter. Criteria: Invitae Variant Classification Sherloc (09022015). Collection method: clinical testing. Allele origin: germline.
Comment: This sequence change replaces arginine, which is basic and polar, with tryptophan, which is neutral and slightly polar, at codon 1707 of the DCHS1 protein (p.Arg1707Trp). This variant is present in population databases (rs369652569, gnomAD 0.002%). This variant has not been reported in the literature in individuals affected with DCHS1-related conditions. Invitae Evidence Modeling of protein sequence and biophysical properties (such as structural, functional, and spatial information, amino acid conservation, physicochemical variation, residue mobility, and thermodynamic stability) indicates that this missense variant is expected to disrupt DCHS1 protein function with a positive predictive value of 80%. In summary, the available evidence is currently insufficient to determine the role of this variant in disease. Therefore, it has been classified as a Variant of Uncertain Significance.